The following is an entry in ClinVar:

ClinVar aggregate classification (germline): Benign. Review status: criteria provided, multiple submitters, no conflicts (2 of 4 stars). 6 submissions from 6 submitters: Benign (6). Last evaluated 2026-02-03.

Conditions:
Autosomal dominant nonsyndromic hearing loss 5. Identifiers: Orphanet 90635, MedGen C1832932, MONDO:0010973, OMIM 600994.

Allele frequency attached by ClinVar (database versions not stated): ESP Exome Variant Server 0.16569; gnomAD 0.17320 and 0.18112; TOPMed 0.17939; 1000 Genomes Project 30x 0.25328; 1000 Genomes Project 0.25919.
gnomAD v4.1: 280,009 of 1,613,482 alleles (17%); highest among the groups gnomAD compares: East Asian, 44%; 27,809 homozygotes.

Submissions (6):

Labcorp Genetics (formerly Invitae), Labcorp
Classification: Benign. Last evaluated: 2026-02-03. Review status: criteria provided, single submitter. Criteria: Invitae Variant Classification Sherloc (09022015). Collection method: clinical testing. Allele origin: germline.

Genome-Nilou Lab
Classification: Benign for Autosomal dominant nonsyndromic hearing loss 5. Last evaluated: 2021-07-30. Review status: criteria provided, single submitter. Criteria: ACMG Guidelines, 2015. Collection method: clinical testing. Allele origin: germline. Affected: no.

Mayo Clinic Laboratories, Mayo Clinic
Classification: Benign. Last evaluated: 2020-12-09. Review status: criteria provided, single submitter. Criteria: ACMG Guidelines, 2015. Collection method: clinical testing. Allele origin: germline. Observed: 45 variant alleles.

Illumina Laboratory Services, Illumina
Classification: Benign for Autosomal dominant nonsyndromic hearing loss 5. Last evaluated: 2018-01-12. Review status: criteria provided, single submitter. Criteria: ICSL Variant Classification Criteria 13 December 2019. Collection method: clinical testing. Allele origin: germline.
Comment: This variant was observed in the ICSL laboratory as part of a predisposition screen in an ostensibly healthy population. It had not been previously curated by ICSL or reported in the Human Gene Mutation Database (HGMD: prior to June 1st, 2018), and was therefore a candidate for classification through an automated scoring system. Utilizing variant allele frequency, disease prevalence and penetrance estimates, and inheritance mode, an automated score was calculated to assess if this variant is too frequent to cause the disease. Based on the score and internal cut-off values, a variant classified as benign is not then subjected to further curation. The score for this variant resulted in a classification of benign for this disease.

GeneDx
Classification: Benign. Last evaluated: 2017-05-09. Review status: criteria provided, single submitter. Criteria: GeneDx Variant Classification (06012015). Collection method: clinical testing. Allele origin: germline. Affected: yes.
Comment: This variant is considered likely benign or benign based on one or more of the following criteria: it is a conservative change, it occurs at a poorly conserved position in the protein, it is predicted to be benign by multiple in silico algorithms, and/or has population frequency not consistent with disease.

Laboratory for Molecular Medicine, Mass General Brigham Personalized Medicine
Classification: Benign. Last evaluated: 2012-05-07. Review status: criteria provided, single submitter. Criteria: LMM Criteria. Collection method: clinical testing. Allele origin: germline. Observed: 524 variant alleles.
Comment: "Thr163Thr in Exon 04 of DFNA5: This variant is not expected to have clinical si gnificance because it does not alter an amino acid residue, is not located withi n the splice consensus sequence, and has been identified in 21.1% (788/3738) of African American chromosomes from a broad population by the NHLBI Exome Sequenci ng Project (dbSNP rs754555)."

NM_001127453.2(GSDME):c.489G>A (p.Thr163=)

Gene: GSDME (gasdermin E; minus strand). Cytogenetic location: 7p15.3.
Variant type: single nucleotide variant.
Coding change: c.489G>A on transcript NM_001127453.2 (MANE Select); coding-DNA position 489, G replaced by A.
Protein change: p.Thr163=; no amino-acid change (threonine 163 retained).
Molecular consequence: synonymous variant. On other transcripts: 5 prime UTR variant (1).
Genome position (GRCh38, 1-based): chr7:24,719,134, C>T on the plus strand (G>A on the coding strand, the complement: GSDME is on the minus strand). VCF-style: chr7-24719134-C-T. GRCh37 (hg19) VCF-style: chr7-24758753-C-T.
Other names: p.Thr163=; c.-4G>A (NM_001127454.2); c.489G>A, p.Thr163= (NM_004403.3).
Identifiers: ClinVar variation 44845 (VCV000044845.19), dbSNP rs754555, ClinGen allele CA135166.